The following is an entry in ClinVar:

ClinVar aggregate classification (germline): Likely benign. Review status: criteria provided, multiple submitters, no conflicts (2 of 4 stars). 4 submissions from 4 submitters: Likely benign (4). Last evaluated 2025-02-16.

Conditions:
COL9A2-related disorder. Also called: COL9A2-related condition.

Allele frequency attached by ClinVar (database versions not stated): gnomAD 0.00001; TOPMed 0.00002.
gnomAD v4.1: 47 of 1,613,956 alleles (0.0029%); highest among the groups gnomAD compares: East Asian, 0.0067%; no homozygotes.

Submissions (4):

Laboratory of Genetics, Children's Clinical University Hospital Latvia
Classification: Likely benign. Last evaluated: 2025-02-16. Review status: criteria provided, single submitter. Criteria: ACMG Guidelines, 2015. Collection method: clinical testing. Allele origin: germline. Affected: yes.

PreventionGenetics, part of Exact Sciences
Classification: Likely benign for COL9A2-related condition. Last evaluated: 2024-12-04. Review status: criteria provided, single submitter. Criteria: ACMG Guidelines, 2015. Collection method: clinical testing. Allele origin: germline.
Comment: This variant is classified as likely benign based on ACMG/AMP sequence variant interpretation guidelines (Richards et al. 2015 PMID: 25741868, with internal and published modifications).

Labcorp Genetics (formerly Invitae), Labcorp
Classification: Likely benign. Last evaluated: 2024-10-21. Review status: criteria provided, single submitter. Criteria: Invitae Variant Classification Sherloc (09022015). Collection method: clinical testing. Allele origin: germline.

Blueprint Genetics
Classification: Likely benign. Last evaluated: 2022-02-01. Review status: criteria provided, single submitter. Criteria: ACMG Guidelines, 2015. Collection method: clinical testing. Allele origin: germline.

NM_001852.4(COL9A2):c.1842C>T (p.Pro614=)

Gene: COL9A2 (collagen type IX alpha 2 chain; minus strand). Cytogenetic location: 1p34.2.
Variant type: single nucleotide variant.
Coding change: c.1842C>T on transcript NM_001852.4 (MANE Select); coding-DNA position 1842, C replaced by T.
Protein change: p.Pro614=; no amino-acid change (proline 614 retained).
Molecular consequence: synonymous variant.
Genome position (GRCh38, 1-based): chr1:40,301,840, G>A on the plus strand (C>T on the coding strand, the complement: COL9A2 is on the minus strand). VCF-style: chr1-40301840-G-A. GRCh37 (hg19) VCF-style: chr1-40767512-G-A.
Other names: c.1842C>T (NM_001852.3).
Identifiers: ClinVar variation 1625848 (VCV001625848.12), dbSNP rs763724733, ClinGen allele CA791309.